The following is an entry in ClinVar:

NM_007118.4(TRIO):c.3611A>T (p.Asp1204Val)

Gene: TRIO (trio Rho guanine nucleotide exchange factor; plus strand). Cytogenetic location: 5p15.2.
Variant type: single nucleotide variant.
Coding change: c.3611A>T on transcript NM_007118.4 (MANE Select); coding-DNA position 3611, A replaced by T.
Protein change: p.Asp1204Val; replaces aspartic acid 1204 with valine.
Molecular consequence: missense variant. On other transcripts: non-coding transcript variant (1).
Genome position (GRCh38, 1-based): chr5:14,387,478, A>T. VCF-style: chr5-14387478-A-T. GRCh37 (hg19) VCF-style: chr5-14387587-A-T.
Other names: short protein forms D1204V.
Identifiers: ClinVar variation 1878762 (VCV001878762.1), dbSNP rs1746643808, ClinGen allele CA359224917.

ClinVar aggregate classification (germline): Uncertain significance (1 of 4 stars; one submission).

Allele frequency attached by ClinVar (database versions not stated): gnomAD 0.00001.
gnomAD v4.1: 1 of 1,613,694 alleles (0.000062%); highest among the groups gnomAD compares: Admixed American, 0.0017%; no homozygotes.

Submission:

GeneDx
Classification: Uncertain significance. Last evaluated: 2022-07-12. Review status: criteria provided, single submitter. Criteria: GeneDx Variant Classification Process June 2021. Collection method: clinical testing. Allele origin: germline. Affected: yes.
Comment: Not observed at significant frequency in large population cohorts (gnomAD); In silico analysis supports that this missense variant has a deleterious effect on protein structure/function; Has not been previously published as pathogenic or benign to our knowledge